The following is an entry in ClinVar:

NM_004064.5(CDKN1B):c.504C>G (p.Asn168Lys)

Gene: CDKN1B (cyclin dependent kinase inhibitor 1B; plus strand). Cytogenetic location: 12p13.1.
Variant type: single nucleotide variant.
Coding change: c.504C>G on transcript NM_004064.5 (MANE Select); coding-DNA position 504, C replaced by G.
Protein change: p.Asn168Lys; replaces asparagine 168 with lysine.
Molecular consequence: missense variant.
Genome position (GRCh38, 1-based): chr12:12,718,853, C>G. VCF-style: chr12-12718853-C-G. GRCh37 (hg19) VCF-style: chr12-12871787-C-G.
Other names: short protein forms N168K.
Identifiers: ClinVar variation 3489613 (VCV003489613.3).

ClinVar aggregate classification (germline): Conflicting classifications of pathogenicity. Review status: criteria provided, conflicting classifications (1 of 4 stars). 2 submissions from 2 submitters: Uncertain significance (1); Likely benign (1). Last evaluated 2024-08-27.

Conditions:
Multiple endocrine neoplasia type 4. Also called: MULTIPLE ENDOCRINE NEOPLASIA, TYPE IV. Identifiers: Orphanet 276152, MedGen C1970712, MONDO:0012552, OMIM 610755.
Hereditary cancer-predisposing syndrome. Also called: Hereditary Cancer Syndrome; Hereditary neoplastic syndrome; Neoplastic Syndromes, Hereditary; Tumor predisposition. Identifiers: Orphanet 140162, MedGen C0027672, MeSH D009386, MONDO:0015356.

Submissions (2):

Ambry Genetics
Classification: Likely benign for Hereditary cancer-predisposing syndrome. Last evaluated: 2024-08-27. Review status: criteria provided, single submitter. Criteria: Ambry Variant Classification Scheme 2023. Collection method: clinical testing. Allele origin: germline.

Labcorp Genetics (formerly Invitae), Labcorp
Classification: Uncertain significance for Multiple endocrine neoplasia type 4. Last evaluated: 2024-02-23. Review status: criteria provided, single submitter. Criteria: Invitae Variant Classification Sherloc (09022015). Collection method: clinical testing. Allele origin: germline.
Comment: This sequence change replaces asparagine, which is neutral and polar, with lysine, which is basic and polar, at codon 168 of the CDKN1B protein (p.Asn168Lys). This variant is not present in population databases (gnomAD no frequency). This variant has not been reported in the literature in individuals affected with CDKN1B-related conditions. An algorithm developed to predict the effect of missense changes on protein structure and function (PolyPhen-2) suggests that this variant is likely to be tolerated. In summary, the available evidence is currently insufficient to determine the role of this variant in disease. Therefore, it has been classified as a Variant of Uncertain Significance.